The following is an entry in ClinVar:

ClinVar aggregate classification (germline): Conflicting classifications of pathogenicity. Review status: criteria provided, conflicting classifications (1 of 4 stars). 3 submissions from 3 submitters: Likely pathogenic (2); Uncertain significance (1). Last evaluated 2025-05-26.

Conditions:
X-linked FLNA-related disorders.
Melnick-Needles syndrome (MNS). Also called: MELNICK-NEEDLES OSTEODYSPLASTY; OSTEODYSPLASTY OF MELNICK AND NEEDLES; Melnick-Needles Syndrome (FLNA-MNS). Identifiers: Orphanet 2484, MedGen C0025237, MONDO:0010650, OMIM 309350.
Heterotopia, periventricular, X-linked dominant (PVNH1). Also called: PERIVENTRICULAR NODULAR HETEROTOPIA 1; X-linked periventricular heterotopia; PERIVENTRICULAR NODULAR HETEROTOPIA 4; HETEROTOPIA, PERIVENTRICULAR, 1. Identifiers: Orphanet 2149, Orphanet 82004, MedGen C1848213, MONDO:0010233, OMIM 300049.
Frontometaphyseal dysplasia (FMD1). Identifiers: Orphanet 1826, MedGen C0265293, MONDO:0015942.
Oto-palato-digital syndrome, type II (OPD2). Also called: FACIOPALATOOSSEOUS SYNDROME; OPD II SYNDROME; Otopalatodigital Syndrome Type 2 (FLNA-OPD2); Otopalatodigital Syndrome, Type II. Identifiers: Orphanet 669, Orphanet 90652, MedGen C1844696, MONDO:0010571, OMIM 304120.

Submissions (3):

Variantyx, Inc.
Classification: Likely pathogenic for X-linked FLNA-related disorders. Last evaluated: 2025-05-26. Review status: criteria provided, single submitter. Criteria: Variantyx Assertion Criteria 2022. Collection method: clinical testing. Allele origin: maternal. Inheritance: X-linked inheritance.
Comment: This is a nonsynonymous variant in the FLNA gene (OMIM: 300017). Pathogenic variants in this gene have been associated with X-linked FLNA-related disorders. The clinical symptoms reported for this individual are highly specific for X-linked FLNA-related disorders, which has a limited genetic etiology (PMID:26471271, 35613087) (PP4). This variant lies within a well-established critical functional domain of the FLNA protein (PMID:34863227, 28051071) (PM1), and multiple computational algorithms predict a deleterious effect for this variant (REVEL score: 0.828) (PP3). This variant is absent from control populations (PM2). Based on the current evidence, this variant is classified as likely pathogenic for X-linked FLNA-related disorders.

Labcorp Genetics (formerly Invitae), Labcorp
Classification: Likely pathogenic for Oto-palato-digital syndrome, type II; Heterotopia, periventricular, X-linked dominant; Frontometaphyseal dysplasia; Melnick-Needles syndrome. Last evaluated: 2022-03-14. Review status: criteria provided, single submitter. Criteria: Invitae Variant Classification Sherloc (09022015). Collection method: clinical testing. Allele origin: germline.
Comment: This missense change has been observed in individual(s) with FLNA-related conditions (Invitae). In at least one individual the variant was observed to be de novo. In summary, the currently available evidence indicates that the variant is pathogenic, but additional data are needed to prove that conclusively. Therefore, this variant has been classified as Likely Pathogenic. Algorithms developed to predict the effect of sequence changes on RNA splicing suggest that this variant may create or strengthen a splice site. Algorithms developed to predict the effect of missense changes on protein structure and function are either unavailable or do not agree on the potential impact of this missense change (SIFT: "Tolerated"; PolyPhen-2: "Possibly Damaging"; Align-GVGD: "Class C0"). This variant is not present in population databases (gnomAD no frequency). This sequence change replaces leucine, which is neutral and non-polar, with valine, which is neutral and non-polar, at codon 104 of the FLNA protein (p.Leu104Val).

Revvity Omics, Revvity
Classification: Uncertain significance. Last evaluated: 2021-12-27. Review status: criteria provided, single submitter. Criteria: ACMG Guidelines, 2015. Collection method: clinical testing. Allele origin: germline.

Literature cited by the submitters: PubMed 26471271 (cited by Variantyx, Inc.); PubMed 35613087 (cited by Variantyx, Inc.); PubMed 34863227 (cited by Variantyx, Inc.); PubMed 28051071 (cited by Variantyx, Inc.).

NM_001110556.2(FLNA):c.310C>G (p.Leu104Val)

Gene: FLNA (filamin A; minus strand). Cytogenetic location: Xq28.
Variant type: single nucleotide variant.
Coding change: c.310C>G on transcript NM_001110556.2 (MANE Select); coding-DNA position 310, C replaced by G.
Protein change: p.Leu104Val; replaces leucine 104 with valine.
Molecular consequence: missense variant.
Genome position (GRCh38, 1-based): chrX:154,370,936, G>C on the plus strand (C>G on the coding strand, the complement: FLNA is on the minus strand). VCF-style: chrX-154370936-G-C. GRCh37 (hg19) VCF-style: chrX-153599304-G-C.
Other names: c.310C>G (NM_001456.3); c.310C>G, p.Leu104Val (NM_001456.4); short protein forms L104V.
Identifiers: ClinVar variation 2084936 (VCV002084936.7), dbSNP rs2522771333, ClinGen allele CA415254436.